The following is an entry in ClinVar:

ClinVar aggregate classification (germline): Pathogenic. Review status: criteria provided, multiple submitters, no conflicts (2 of 4 stars). 3 submissions from 3 submitters: Pathogenic (2). 1 of the submissions does not count toward it. Last evaluated 2026-04-12.

Conditions:
PKD1-related disorder. Also called: PKD1-related condition.
Polycystic kidney disease, adult type (PKD1). Also called: Polycystic Kidney, Autosomal Dominant; Polycystic Kidney Disease 1, Autosomal Dominant; Polycystic kidney disease 1; Polycystic kidney disease 1, severe; POLYCYSTIC KIDNEY DISEASE, ADULT, TYPE I; POLYCYSTIC KIDNEY DISEASE 1 WITH OR WITHOUT POLYCYSTIC LIVER DISEASE. Identifiers: MedGen C3149841, MONDO:0008263, OMIM 173900.

Submissions (3):

PreventionGenetics, part of Exact Sciences
Classification: Pathogenic for PKD1-related condition. Last evaluated: 2026-04-12. Review status: criteria provided, single submitter. Criteria: ACMG Guidelines, 2015. Collection method: clinical testing. Allele origin: germline.
Comment: The PKD1 c.5878C>T variant is predicted to result in premature protein termination (p.Gln1960*). This variant has been reported in individuals with autosomal dominant polycystic kidney disease (ADPKD) (see for example, Phakdeekitcharoen et al. 2000. PubMed ID: 11012875; Table S7, Groopman et al. 2018. PubMed ID: 30586318). This variant has not been reported in a large population database (gnomAD), indicating this variant is rare. Nonsense variants in PKD1 are expected to be pathogenic. This variant is interpreted as pathogenic.

Fulgent Genetics
Classification: Pathogenic for Polycystic kidney disease, adult type. Last evaluated: 2021-06-30. Review status: criteria provided, single submitter. Criteria: ACMG Guidelines, 2015. Collection method: clinical testing. Allele origin: unknown.
Comment: This variant has been detected in individual(s) who were sent for testing of Renasight - kidney gene panel.

Gharavi Laboratory, Columbia University
Classification: Pathogenic. Last evaluated: 2018-09-16. Review status: no assertion criteria provided. Criteria: ACMG Guidelines, 2015. Collection method: research. Allele origin: germline. Affected: yes. Not counted in ClinVar's aggregate classification.

NM_001009944.3(PKD1):c.5878C>T (p.Gln1960Ter)

Gene: PKD1 (polycystin 1, transient receptor potential channel interacting; minus strand). Cytogenetic location: 16p13.3.
Variant type: single nucleotide variant.
Coding change: c.5878C>T on transcript NM_001009944.3 (MANE Select); coding-DNA position 5878, C replaced by T.
Protein change: p.Gln1960Ter; replaces glutamine 1960 with a stop codon.
Molecular consequence: nonsense.
Genome position (GRCh38, 1-based): chr16:2,109,289, G>A on the plus strand (C>T on the coding strand, the complement: PKD1 is on the minus strand). VCF-style: chr16-2109289-G-A. GRCh37 (hg19) VCF-style: chr16-2159290-G-A.
Other names: c.5878C>T, p.Gln1960Ter (NM_000296.4); short protein forms Q1960*.
Identifiers: ClinVar variation 562298 (VCV000562298.4), dbSNP rs1567195059, ClinGen allele CA394375200.